The following is an entry in ClinVar:

NM_002693.3(POLG):c.2229C>T (p.Asp743=)

Gene: POLG (DNA polymerase gamma, catalytic subunit; minus strand). Cytogenetic location: 15q26.1.
Variant type: single nucleotide variant.
Coding change: c.2229C>T on transcript NM_002693.3 (MANE Select); coding-DNA position 2229, C replaced by T.
Protein change: p.Asp743=; no amino-acid change (aspartic acid 743 retained).
Molecular consequence: synonymous variant.
Genome position (GRCh38, 1-based): chr15:89,323,440, G>A on the plus strand (C>T on the coding strand, the complement: POLG is on the minus strand). VCF-style: chr15-89323440-G-A. GRCh37 (hg19) VCF-style: chr15-89866671-G-A.
Other names: c.2229C>T, p.Asp743= (NM_001126131.2).
Identifiers: ClinVar variation 3721621 (VCV003721621.3).
Genomic context (GRCh38, chr15:89,323,440, plus strand): 5'-GACAGGCCATGACCCAGGACACACCTTGTGAGGCAGCTTGAAAAACCAGCAGCCAGGGAT[G>A]TCCACGTCGTTGTAAGGTCCATTGCCATGGTGATAGCTGGGCTGGGTGTCCTTGGGGCCA-3'
Protein context (NP_002684.1, residues 733-753): HHGNGPYNDV[Asp743=]IPGCWFFKLP

ClinVar aggregate classification (germline): Likely benign. Review status: criteria provided, multiple submitters, no conflicts (2 of 4 stars). 2 submissions from 2 submitters: Likely benign (2). Last evaluated 2025-11-11.

Conditions:
POLG-related disorder. Also called: POLG-Related Spectrum Disorders; POLG-related condition; POLG-Related Disorders. Identifiers: MedGen C4763519.
Progressive sclerosing poliodystrophy (MTDPS4A). Also called: Alpers Syndrome; ALPERS PROGRESSIVE INFANTILE POLIODYSTROPHY; ALPERS DIFFUSE DEGENERATION OF CEREBRAL GRAY MATTER WITH HEPATIC CIRRHOSIS; Alpers-Huttenlocher Syndrome; NEURONAL DEGENERATION OF CHILDHOOD WITH LIVER DISEASE, PROGRESSIVE; Mitochondrial DNA depletion syndrome 4A (Alpers type). Identifiers: Orphanet 726, MedGen C0205710, MONDO:0008758, OMIM 203700.

gnomAD v4.1: 1 of 1,613,864 alleles (0.000062%); highest among the groups gnomAD compares: Non-Finnish European, 0.000085%; no homozygotes.

Submissions (2):

PreventionGenetics, part of Exact Sciences
Classification: Likely benign for POLG-related condition. Last evaluated: 2025-11-11. Review status: criteria provided, single submitter. Criteria: ACMG Guidelines, 2015. Collection method: clinical testing. Allele origin: germline.
Comment: This variant is classified as likely benign based on ACMG/AMP sequence variant interpretation guidelines (Richards et al. 2015 PMID: 25741868, with internal and published modifications).

Labcorp Genetics (formerly Invitae), Labcorp
Classification: Likely benign for Progressive sclerosing poliodystrophy. Last evaluated: 2024-09-27. Review status: criteria provided, single submitter. Criteria: Invitae Variant Classification Sherloc (09022015). Collection method: clinical testing. Allele origin: germline.